The following is an entry in ClinVar:

NM_004525.3(LRP2):c.4928G>A (p.Arg1643Gln)

Gene: LRP2 (LDL receptor related protein 2; minus strand). Cytogenetic location: 2q31.1.
Variant type: single nucleotide variant.
Coding change: c.4928G>A on transcript NM_004525.3 (MANE Select); coding-DNA position 4928, G replaced by A.
Protein change: p.Arg1643Gln; replaces arginine 1643 with glutamine.
Molecular consequence: missense variant.
Genome position (GRCh38, 1-based): chr2:169,233,581, C>T on the plus strand (G>A on the coding strand, the complement: LRP2 is on the minus strand). VCF-style: chr2-169233581-C-T. GRCh37 (hg19) VCF-style: chr2-170090091-C-T.
Other names: short protein forms R1643Q.
Identifiers: ClinVar variation 749324 (VCV000749324.16), dbSNP rs147688332, ClinGen allele CA1954664.
Genomic context (GRCh38, chr2:169,233,581, plus strand): 5'-CGAGTAGCACGGTCAGTCCAGTACACAGAGTCTTCAAAGAGAGTTAGGGCATAGGGGTGC[C>T]GTATAATCTGTGAGGCAGAAGAGAACAGTGAGACCTCATCCAAAAATCAAAGCCAAGGTG-3'
Protein context (NP_004516.2, residues 1633-1653): RQVIASDLII[Arg1643Gln]HPYALTLFED

ClinVar aggregate classification (germline): Conflicting classifications of pathogenicity. Review status: criteria provided, conflicting classifications (1 of 4 stars). 4 submissions from 4 submitters: Uncertain significance (1); Likely benign (2). 1 of the submissions does not count toward it. Last evaluated 2026-01-18.

Conditions:
LRP2-related disorder. Also called: LRP2-related condition.
Donnai-Barrow syndrome. Also called: DBS/FOAR SYNDROME; FACIOOCULOACOUSTICORENAL SYNDROME. Identifiers: Orphanet 2143, MedGen C1857277, MONDO:0009104, OMIM 222448.

Allele frequency attached by ClinVar (database versions not stated): TOPMed 0.00046; gnomAD 0.00057 and 0.00059; ESP Exome Variant Server 0.00077; 1000 Genomes Project 0.00080; 1000 Genomes Project 30x 0.00094.
gnomAD v4.1: 169 of 1,613,938 alleles (0.01%); highest among the groups gnomAD compares: African/African-American, 0.17%; 1 homozygote.

Submissions (4):

Labcorp Genetics (formerly Invitae), Labcorp
Classification: Likely benign. Last evaluated: 2026-01-18. Review status: criteria provided, single submitter. Criteria: Invitae Variant Classification Sherloc (09022015). Collection method: clinical testing. Allele origin: germline.

Blueprint Genetics
Classification: Likely benign. Last evaluated: 2023-09-12. Review status: criteria provided, single submitter. Criteria: ACMG Guidelines, 2015. Collection method: clinical testing. Allele origin: germline.

New York Genome Center
Classification: Uncertain significance for Donnai-Barrow syndrome. Last evaluated: 2021-12-22. Review status: criteria provided, single submitter. Criteria: NYGC Assertion Criteria 2020. Collection method: clinical testing. Allele origin: germline. Observed: 1 heterozygote. Study: CSER-NYCKidSeq.

PreventionGenetics, part of Exact Sciences
Classification: Likely benign for LRP2-related condition. Last evaluated: 2022-03-28. Review status: no assertion criteria provided. Collection method: clinical testing. Allele origin: germline. Not counted in ClinVar's aggregate classification.
Comment: This variant is classified as likely benign based on ACMG/AMP sequence variant interpretation guidelines (Richards et al. 2015 PMID: 25741868, with internal and published modifications).